The following is an entry in ClinVar:

NM_002439.5(MSH3):c.328G>C (p.Gly110Arg)

Gene: MSH3 (mutS homolog 3; plus strand). Cytogenetic location: 5q14.1.
Variant type: single nucleotide variant.
Coding change: c.328G>C on transcript NM_002439.5 (MANE Select); coding-DNA position 328, G replaced by C.
Protein change: p.Gly110Arg; replaces glycine 110 with arginine.
Molecular consequence: missense variant.
Genome position (GRCh38, 1-based): chr5:80,656,501, G>C. VCF-style: chr5-80656501-G-C. GRCh37 (hg19) VCF-style: chr5-79952320-G-C.
Other names: short protein forms G110R.
Identifiers: ClinVar variation 935846 (VCV000935846.12), dbSNP rs1749291435, ClinGen allele CA360266476.

ClinVar aggregate classification (germline): Uncertain significance. Review status: criteria provided, multiple submitters, no conflicts (2 of 4 stars). 2 submissions from 2 submitters: Uncertain significance (2). Last evaluated 2022-02-08.

Conditions:
Hereditary cancer-predisposing syndrome. Also called: Tumor predisposition; Hereditary neoplastic syndrome; Hereditary Cancer Syndrome; Neoplastic Syndromes, Hereditary. Identifiers: Orphanet 140162, MedGen C0027672, MeSH D009386, MONDO:0015356.

Submissions (2):

Ambry Genetics
Classification: Uncertain significance for Hereditary cancer-predisposing syndrome. Last evaluated: 2022-02-08. Review status: criteria provided, single submitter. Criteria: Ambry Variant Classification Scheme 2023. Collection method: clinical testing. Allele origin: germline.
Comment: The p.G110R variant (also known as c.328G>C), located in coding exon 2 of the MSH3 gene, results from a G to C substitution at nucleotide position 328. The glycine at codon 110 is replaced by arginine, an amino acid with dissimilar properties. This amino acid position is conserved. In addition, this alteration is predicted to be tolerated by in silico analysis. Since supporting evidence is limited at this time, the clinical significance of this alteration remains unclear.

Labcorp Genetics (formerly Invitae), Labcorp
Classification: Uncertain significance. Last evaluated: 2021-12-23. Review status: criteria provided, single submitter. Criteria: Invitae Variant Classification Sherloc (09022015). Collection method: clinical testing. Allele origin: germline.
Comment: This sequence change replaces glycine, which is neutral and non-polar, with arginine, which is basic and polar, at codon 110 of the MSH3 protein (p.Gly110Arg). This variant is not present in population databases (gnomAD no frequency). This variant has not been reported in the literature in individuals affected with MSH3-related conditions. ClinVar contains an entry for this variant (Variation ID: 935846). Algorithms developed to predict the effect of missense changes on protein structure and function output the following: SIFT: "Tolerated"; PolyPhen-2: "Benign"; Align-GVGD: "Class C0". The arginine amino acid residue is found in multiple mammalian species, which suggests that this missense change does not adversely affect protein function. In summary, the available evidence is currently insufficient to determine the role of this variant in disease. Therefore, it has been classified as a Variant of Uncertain Significance.